The following is an entry in ClinVar:

ClinVar aggregate classification (germline): Uncertain significance. Review status: criteria provided, multiple submitters, no conflicts (2 of 4 stars). 2 submissions from 2 submitters: Uncertain significance (2). Last evaluated 2024-09-26.

Conditions:
Hereditary cancer-predisposing syndrome. Also called: Neoplastic Syndromes, Hereditary; Hereditary neoplastic syndrome; Tumor predisposition; Hereditary Cancer Syndrome. Identifiers: Orphanet 140162, MedGen C0027672, MeSH D009386, MONDO:0015356.

Submissions (2):

Ambry Genetics
Classification: Uncertain significance for Hereditary cancer-predisposing syndrome. Last evaluated: 2024-09-26. Review status: criteria provided, single submitter. Criteria: Ambry Variant Classification Scheme 2023. Collection method: clinical testing. Allele origin: germline.
Comment: The p.R964S variant (also known as c.2892A>C), located in coding exon 21 of the MSH3 gene, results from an A to C substitution at nucleotide position 2892. The arginine at codon 964 is replaced by serine, an amino acid with dissimilar properties. This amino acid position is conserved. In addition, this alteration is predicted to be tolerated by in silico analysis. Based on the available evidence, the clinical significance of this variant remains unclear.

Labcorp Genetics (formerly Invitae), Labcorp
Classification: Uncertain significance. Last evaluated: 2022-12-21. Review status: criteria provided, single submitter. Criteria: Invitae Variant Classification Sherloc (09022015). Collection method: clinical testing. Allele origin: germline.
Comment: In summary, the available evidence is currently insufficient to determine the role of this variant in disease. Therefore, it has been classified as a Variant of Uncertain Significance. Algorithms developed to predict the effect of missense changes on protein structure and function are either unavailable or do not agree on the potential impact of this missense change (SIFT: "Deleterious"; PolyPhen-2: "Benign"; Align-GVGD: "Class C0"). This variant has not been reported in the literature in individuals affected with MSH3-related conditions. This variant is not present in population databases (gnomAD no frequency). This sequence change replaces arginine, which is basic and polar, with serine, which is neutral and polar, at codon 964 of the MSH3 protein (p.Arg964Ser).

NM_002439.5(MSH3):c.2892A>C (p.Arg964Ser)

Gene: MSH3 (mutS homolog 3; plus strand). Cytogenetic location: 5q14.1.
Variant type: single nucleotide variant.
Coding change: c.2892A>C on transcript NM_002439.5 (MANE Select); coding-DNA position 2892, A replaced by C.
Protein change: p.Arg964Ser; replaces arginine 964 with serine.
Molecular consequence: missense variant.
Genome position (GRCh38, 1-based): chr5:80,854,208, A>C. VCF-style: chr5-80854208-A-C. GRCh37 (hg19) VCF-style: chr5-80150027-A-C.
Other names: c.2892A>C (NM_002439.3); short protein forms R964S.
Identifiers: ClinVar variation 2823069 (VCV002823069.4), dbSNP rs759451700, ClinGen allele CA360275631.
Genomic context (GRCh38, chr5:80,854,208, plus strand): 5'-TATATATAAAGGACAGAGTACATTTATGGAAGAACTGACTGACACAGCAGAAATAATCAG[A>C]AAAGCAACATCACAGTCCTTGGTTATCTTGGATGAACTAGGAAGAGGGACGAGCACTCAT-3'
Protein context (NP_002430.3, residues 954-974): EELTDTAEII[Arg964Ser]KATSQSLVIL